The following is an entry in ClinVar:

ClinVar aggregate classification (germline): Benign/Likely benign. Review status: criteria provided, multiple submitters, no conflicts (2 of 4 stars). 3 submissions from 3 submitters: Benign (2); Likely benign (1). Last evaluated 2025-02-03.

Allele frequency attached by ClinVar (database versions not stated): TOPMed 0.00028; 1000 Genomes Project 30x 0.00031; ESP Exome Variant Server 0.00038; 1000 Genomes Project 0.00040.

Submissions (3):

Labcorp Genetics (formerly Invitae), Labcorp
Classification: Benign. Last evaluated: 2025-02-03. Review status: criteria provided, single submitter. Criteria: Invitae Variant Classification Sherloc (09022015). Collection method: clinical testing. Allele origin: germline.

Blueprint Genetics
Classification: Likely benign. Last evaluated: 2024-05-03. Review status: criteria provided, single submitter. Criteria: ACMG Guidelines, 2015. Collection method: clinical testing. Allele origin: germline.

Laboratory for Molecular Medicine, Mass General Brigham Personalized Medicine
Classification: Benign. Last evaluated: 2016-10-06. Review status: criteria provided, single submitter. Criteria: LMM Criteria. Collection method: clinical testing. Allele origin: germline. Observed: 2 variant alleles.
Comment: c.226-7C>G in intron 1 of GIPC3: This variant is not expected to have clinical s ignificance because it has been identified in 0.9% (57/6494) of Finnish chromoso mes by the Exome Aggregation Consortium (ExAC; d bSNP rs143968967).

NM_133261.3(GIPC3):c.226-7C>G

Gene: GIPC3 (GIPC PDZ domain containing family member 3; plus strand). Cytogenetic location: 19p13.3.
Variant type: single nucleotide variant.
Coding change: c.226-7C>G on transcript NM_133261.3 (MANE Select); 7 bases into the intron before coding-DNA position 226, C replaced by G.
Molecular consequence: intron variant.
Genome position (GRCh38, 1-based): chr19:3,586,488, C>G. VCF-style: chr19-3586488-C-G. GRCh37 (hg19) VCF-style: chr19-3586486-C-G.
Identifiers: ClinVar variation 504572 (VCV000504572.14), dbSNP rs143968967, ClinGen allele CA9080349.